The following is an entry in ClinVar:

NM_001349.4(DARS1):c.188G>A (p.Arg63His)

Gene: DARS1 (aspartyl-tRNA synthetase 1; minus strand). Cytogenetic location: 2q21.3.
Variant type: single nucleotide variant.
Coding change: c.188G>A on transcript NM_001349.4 (MANE Select); coding-DNA position 188, G replaced by A.
Protein change: p.Arg63His; replaces arginine 63 with histidine.
Molecular consequence: missense variant. On other transcripts: 5 prime UTR variant (1).
Genome position (GRCh38, 1-based): chr2:135,979,303, C>T on the plus strand (G>A on the coding strand, the complement: DARS1 is on the minus strand). VCF-style: chr2-135979303-C-T. GRCh37 (hg19) VCF-style: chr2-136736873-C-T.
Other names: c.188G>A (NM_001349.2); c.-113G>A (NM_001293312.1); short protein forms R63H.
Identifiers: ClinVar variation 1959493 (VCV001959493.7), dbSNP rs779028673, ClinGen allele CA1889911.

ClinVar aggregate classification (germline): Uncertain significance. Review status: criteria provided, multiple submitters, no conflicts (2 of 4 stars). 2 submissions from 2 submitters: Uncertain significance (2). Last evaluated 2023-05-24.

Conditions:
Inborn genetic diseases. Identifiers: MedGen C0950123, MeSH D030342.

Allele frequency attached by ClinVar (database versions not stated): ExAC 0.00003.
gnomAD v4.1: 5 of 1,495,564 alleles (0.00033%); highest among the groups gnomAD compares: African/African-American, 0.0041%; no homozygotes.

Submissions (2):

Ambry Genetics
Classification: Uncertain significance for Inborn genetic diseases. Last evaluated: 2023-05-24. Review status: criteria provided, single submitter. Criteria: Ambry Variant Classification Scheme 2023. Collection method: clinical testing. Allele origin: germline.

Labcorp Genetics (formerly Invitae), Labcorp
Classification: Uncertain significance. Last evaluated: 2022-04-18. Review status: criteria provided, single submitter. Criteria: Invitae Variant Classification Sherloc (09022015). Collection method: clinical testing. Allele origin: germline.
Comment: In summary, the available evidence is currently insufficient to determine the role of this variant in disease. Therefore, it has been classified as a Variant of Uncertain Significance. Algorithms developed to predict the effect of missense changes on protein structure and function (SIFT, PolyPhen-2, Align-GVGD) all suggest that this variant is likely to be disruptive. This variant has not been reported in the literature in individuals affected with DARS-related conditions. This variant is present in population databases (rs779028673, gnomAD 0.02%). This sequence change replaces arginine, which is basic and polar, with histidine, which is basic and polar, at codon 63 of the DARS protein (p.Arg63His).